The following is an entry in ClinVar:

NM_018685.5(ANLN):c.1762G>A (p.Asp588Asn)

Gene: ANLN (anillin, actin binding protein; plus strand). Cytogenetic location: 7p14.2.
Variant type: single nucleotide variant.
Coding change: c.1762G>A on transcript NM_018685.5 (MANE Select); coding-DNA position 1762, G replaced by A.
Protein change: p.Asp588Asn; replaces aspartic acid 588 with asparagine.
Molecular consequence: missense variant.
Genome position (GRCh38, 1-based): chr7:36,419,372, G>A. VCF-style: chr7-36419372-G-A. GRCh37 (hg19) VCF-style: chr7-36458981-G-A.
Other names: c.1651G>A, p.Asp551Asn (NM_001284301.3); c.1648G>A, p.Asp550Asn (NM_001284302.3); short protein forms D550N, D551N, D588N.
Identifiers: ClinVar variation 1023598 (VCV001023598.8), dbSNP rs1163385439, ClinGen allele CA367212199.

ClinVar aggregate classification (germline): Uncertain significance (1 of 4 stars; one submission).

Allele frequency attached by ClinVar (database versions not stated): gnomAD exomes below 0.00001; TOPMed below 0.00001.
gnomAD v4.1: 5 of 1,614,118 alleles (0.00031%); highest among the groups gnomAD compares: Non-Finnish European, 0.00042%; no homozygotes.

Submission:

Labcorp Genetics (formerly Invitae), Labcorp
Classification: Uncertain significance. Last evaluated: 2020-10-09. Review status: criteria provided, single submitter. Criteria: Invitae Variant Classification Sherloc (09022015). Collection method: clinical testing. Allele origin: germline.
Comment: This variant is not present in population databases (ExAC no frequency). This variant has not been reported in the literature in individuals with ANLN-related conditions. This sequence change replaces aspartic acid with asparagine at codon 588 of the ANLN protein (p.Asp588Asn). The aspartic acid residue is weakly conserved and there is a small physicochemical difference between aspartic acid and asparagine. In summary, the available evidence is currently insufficient to determine the role of this variant in disease. Therefore, it has been classified as a Variant of Uncertain Significance. Algorithms developed to predict the effect of missense changes on protein structure and function are either unavailable or do not agree on the potential impact of this missense change (SIFT: "Tolerated"; PolyPhen-2: "Possibly Damaging"; Align-GVGD: "Class C0").